The following is an entry in ClinVar:

ClinVar aggregate classification (germline): Uncertain significance. Review status: criteria provided, multiple submitters, no conflicts (2 of 4 stars). 2 submissions from 2 submitters: Uncertain significance (2). Last evaluated 2024-09-08.

Conditions:
Inborn genetic diseases. Identifiers: MedGen C0950123, MeSH D030342.

gnomAD v4.1: 4 of 1,614,006 alleles (0.00025%); highest among the groups gnomAD compares: African/African-American, 0.0013%; no homozygotes.

Submissions (2):

Ambry Genetics
Classification: Uncertain significance for Inborn genetic diseases. Last evaluated: 2024-09-08. Review status: criteria provided, single submitter. Criteria: Ambry Variant Classification Scheme 2023. Collection method: clinical testing. Allele origin: germline.

GeneDx
Classification: Uncertain significance. Last evaluated: 2023-05-24. Review status: criteria provided, single submitter. Criteria: GeneDx Variant Classification Process June 2021. Collection method: clinical testing. Allele origin: germline. Affected: yes.
Comment: Not observed at significant frequency in large population cohorts (gnomAD); In silico analysis supports that this missense variant does not alter protein structure/function; Has not been previously published as pathogenic or benign to our knowledge

NM_153676.4(USH1C):c.986A>G (p.Lys329Arg)

Gene: USH1C (USH1 protein network component harmonin; minus strand). Cytogenetic location: 11p15.1.
Variant type: single nucleotide variant.
Coding change: c.986A>G on transcript NM_153676.4 (MANE Select); coding-DNA position 986, A replaced by G.
Protein change: p.Lys329Arg; replaces lysine 329 with arginine.
Molecular consequence: missense variant. On other transcripts: non-coding transcript variant (1).
Genome position (GRCh38, 1-based): chr11:17,522,817, T>C on the plus strand (A>G on the coding strand, the complement: USH1C is on the minus strand). VCF-style: chr11-17522817-T-C. GRCh37 (hg19) VCF-style: chr11-17544364-T-C.
Other names: c.929A>G, p.Lys310Arg (NM_001297764.2); c.986A>G, p.Lys329Arg (NM_005709.4); short protein forms K310R, K329R.
Identifiers: ClinVar variation 3343711 (VCV003343711.2).